The following is an entry in ClinVar:

NM_024312.5(GNPTAB):c.879dup (p.Glu294fs)

Gene: GNPTAB (N-acetylglucosamine-1-phosphate transferase subunits alpha and beta; minus strand). Cytogenetic location: 12q23.2.
Variant type: Duplication.
Coding change: c.879dup on transcript NM_024312.5 (MANE Select); coding-DNA position 879, one base duplicated (A; older notation c.879dupA).
Protein change: p.Glu294fs; shifts the reading frame from glutamic acid 294.
Molecular consequence: frameshift variant.
Genome position (GRCh38, 1-based): chr12:101,771,050, T duplicated on the plus strand (A on the coding strand, the reverse complement: GNPTAB is on the minus strand); the first of 4 consecutive T bases (chr12:101,771,050-101,771,053); duplicating any one gives the same sequence. VCF-style (leftmost placement, unchanged base first): chr12-101771049-C-CT. GRCh37 (hg19) VCF-style: chr12-102164827-C-CT.
Other names: short protein forms E294fs.
Identifiers: ClinVar variation 4918189 (VCV004918189.2).

ClinVar aggregate classification (germline): Pathogenic/Likely pathogenic. Review status: criteria provided, multiple submitters, no conflicts (2 of 4 stars). 2 submissions from 2 submitters: Pathogenic (1); Likely pathogenic (1). Last evaluated 2024-07-21.

Conditions:
GNPTAB-Related Disorders. Also called: GNPTAB-related disorder; GNPTAB-related condition. Identifiers: MedGen CN381523.
GNPTAB-mucolipidosis. Also called: UDP-N-acetylglucosamine-1-phosphotransferase subunit alpha/beta deficiency. Identifiers: MedGen CN322573, MONDO:0100122.

Submissions (2):

Myriad Genetics, Inc.
Classification: Pathogenic for GNPTAB-mucolipidosis. Last evaluated: 2024-07-21. Review status: criteria provided, single submitter. Criteria: Myriad Autosomal Dominant, Autosomal Recessive and X-Linked Classification Criteria (2023). Collection method: clinical testing. Allele origin: unknown.
Comment: NM_024312.4(GNPTAB):c.879dupA(E294Rfs*20) is expected to be pathogenic in the context of GNPTAB-related disorders. This variant is predicted to lead to an abnormal or absent protein product due to the creation of a premature termination codon in GNPTAB, a gene where loss-of-function variants are known to be pathogenic. Please note: this variant was assessed in the context of healthy population screening.

Blueprint Genetics
Classification: Likely pathogenic for GNPTAB-related disorders. Last evaluated: 2023-11-24. Review status: criteria provided, single submitter. Criteria: ACMG Guidelines, 2015. Collection method: clinical testing. Allele origin: germline. Affected: yes. Observed: 1 variant allele.